The following is an entry in ClinVar:

NM_006031.6(PCNT):c.1209G>A (p.Arg403=)

Gene: PCNT (pericentrin; plus strand). Cytogenetic location: 21q22.3.
Variant type: single nucleotide variant.
Coding change: c.1209G>A on transcript NM_006031.6 (MANE Select); coding-DNA position 1209, G replaced by A.
Protein change: p.Arg403=; no amino-acid change (arginine 403 retained).
Molecular consequence: synonymous variant.
Genome position (GRCh38, 1-based): chr21:46,349,685, G>A. VCF-style: chr21-46349685-G-A. GRCh37 (hg19) VCF-style: chr21-47769599-G-A.
Other names: c.1209G>A (NM_006031.5); c.855G>A, p.Arg285= (NM_001315529.2).
Identifiers: ClinVar variation 3009612 (VCV003009612.4), dbSNP rs756830023, ClinGen allele CA10078556.

ClinVar aggregate classification (germline): Likely benign. Review status: criteria provided, single submitter (1 of 4 stars). 2 submissions from 2 submitters: Likely benign (1). 1 of the submissions does not count toward it. Last evaluated 2023-08-16.

Conditions:
PCNT-related disorder. Also called: PCNT-related condition.

Allele frequency attached by ClinVar (database versions not stated): gnomAD exomes below 0.00001; ExAC 0.00001.
gnomAD v4.1: 1 of 1,613,974 alleles (0.000062%); highest among the groups gnomAD compares: Non-Finnish European, 0.000085%; no homozygotes.

Submissions (2):

Labcorp Genetics (formerly Invitae), Labcorp
Classification: Likely benign. Last evaluated: 2023-08-16. Review status: criteria provided, single submitter. Criteria: Invitae Variant Classification Sherloc (09022015). Collection method: clinical testing. Allele origin: germline.

PreventionGenetics, part of Exact Sciences
Classification: Likely benign for PCNT-related condition. Last evaluated: 2024-04-12. Review status: no assertion criteria provided. Collection method: clinical testing. Allele origin: germline. Not counted in ClinVar's aggregate classification.
Comment: This variant is classified as likely benign based on ACMG/AMP sequence variant interpretation guidelines (Richards et al. 2015 PMID: 25741868, with internal and published modifications).